The following is an entry in ClinVar:

NM_014000.3(VCL):c.457A>C (p.Thr153Pro)

Gene: VCL (vinculin; plus strand). Cytogenetic location: 10q22.2.
Variant type: single nucleotide variant.
Coding change: c.457A>C on transcript NM_014000.3 (MANE Select); coding-DNA position 457, A replaced by C.
Protein change: p.Thr153Pro; replaces threonine 153 with proline.
Molecular consequence: missense variant.
Genome position (GRCh38, 1-based): chr10:74,071,041, A>C. VCF-style: chr10-74071041-A-C. GRCh37 (hg19) VCF-style: chr10-75830799-A-C.
Other names: c.457A>C, p.Thr153Pro (NM_003373.4); short protein forms T153P.
Identifiers: ClinVar variation 837785 (VCV000837785.10), dbSNP rs376921881, ClinGen allele CA209692406.

ClinVar aggregate classification (germline): Uncertain significance. Review status: criteria provided, multiple submitters, no conflicts (2 of 4 stars). 2 submissions from 2 submitters: Uncertain significance (2). Last evaluated 2025-10-06.

Conditions:
Cardiovascular phenotype. Identifiers: MedGen CN230736.
Dilated cardiomyopathy 1W (CMD1W). Identifiers: Orphanet 154, MedGen C1969639, MONDO:0012667, OMIM 611407.

Allele frequency attached by ClinVar (database versions not stated): gnomAD exomes below 0.00001; gnomAD 0.00001; TOPMed 0.00002; ESP Exome Variant Server 0.00008.
gnomAD v4.1: 3 of 1,614,030 alleles (0.00019%); highest among the groups gnomAD compares: African/African-American, 0.004%; no homozygotes.

Submissions (2):

Labcorp Genetics (formerly Invitae), Labcorp
Classification: Uncertain significance for Dilated cardiomyopathy 1W. Last evaluated: 2025-10-06. Review status: criteria provided, single submitter. Criteria: Invitae Variant Classification Sherloc (09022015). Collection method: clinical testing. Allele origin: germline.
Comment: This sequence change replaces threonine, which is neutral and polar, with proline, which is neutral and non-polar, at codon 153 of the VCL protein (p.Thr153Pro). This variant is not present in population databases (gnomAD no frequency). This variant has not been reported in the literature in individuals affected with VCL-related conditions. ClinVar contains an entry for this variant (Variation ID: 837785). An algorithm developed to predict the effect of missense changes on protein structure and function (PolyPhen-2) suggests that this variant is likely to be tolerated. In summary, the available evidence is currently insufficient to determine the role of this variant in disease. Therefore, it has been classified as a Variant of Uncertain Significance.

Ambry Genetics
Classification: Uncertain significance for Cardiovascular phenotype. Last evaluated: 2022-06-22. Review status: criteria provided, single submitter. Criteria: Ambry Variant Classification Scheme 2023. Collection method: clinical testing. Allele origin: germline.
Comment: The p.T153P variant (also known as c.457A>C), located in coding exon 4 of the VCL gene, results from an A to C substitution at nucleotide position 457. The threonine at codon 153 is replaced by proline, an amino acid with highly similar properties. This amino acid position is conserved. In addition, this alteration is predicted to be tolerated by in silico analysis. Since supporting evidence is limited at this time, the clinical significance of this alteration remains unclear.